The following is an entry in ClinVar:

NM_001367868.2(PLIN4):c.888C>T (p.Val296=)

Gene: PLIN4 (perilipin 4; minus strand). Cytogenetic location: 19p13.3.
Variant type: single nucleotide variant.
Coding change: c.888C>T on transcript NM_001367868.2 (MANE Select); coding-DNA position 888, C replaced by T.
Protein change: p.Val296=; no amino-acid change (valine 296 retained).
Molecular consequence: synonymous variant.
Genome position (GRCh38, 1-based): chr19:4,513,072, G>A on the plus strand (C>T on the coding strand, the complement: PLIN4 is on the minus strand). VCF-style: chr19-4513072-G-A. GRCh37 (hg19) VCF-style: chr19-4513084-G-A.
Other names: c.891C>T, p.Val297= (NM_001393888.1, NM_001393889.1); c.888C>T, p.Val296= (NM_001393890.1, NM_001393891.1).
Identifiers: ClinVar variation 4821026 (VCV004821026.4).

ClinVar aggregate classification (germline): Likely benign (1 of 4 stars; one submission).

Submission:

CeGaT Center for Human Genetics Tuebingen
Classification: Likely benign. Last evaluated: 2026-06-01. Review status: criteria provided, single submitter. Criteria: CeGaT Center For Human Genetics Tuebingen Variant Classification Criteria Version 2. Collection method: clinical testing. Allele origin: germline. Affected: yes. Observed: 2 variant alleles.
Comment: PLIN4: PM2:Supporting, BP4, BP7